The following is an entry in ClinVar:

ClinVar aggregate classification (germline): Uncertain significance (1 of 4 stars; one submission).

Submission:

GeneDx
Classification: Uncertain significance. Last evaluated: 2021-10-13. Review status: criteria provided, single submitter. Criteria: GeneDx Variant Classification Process June 2021. Collection method: clinical testing. Allele origin: germline. Affected: yes.
Comment: Not observed at significant frequency in large population cohorts (Lek et al., 2016); Has not been previously published as pathogenic or benign to our knowledge; In-silico analysis, which includes splice predictors and evolutionary conservation, is inconclusive as to whether the variant alters gene splicing. In the absence of RNA/functional studies, the actual effect of this sequence change is unknown.

NM_001039141.3(TRIOBP):c.629-17CT[2]

Gene: TRIOBP (TRIO and F-actin binding protein; plus strand). Cytogenetic location: 22q13.1.
Variant type: Microsatellite.
Coding change: c.629-17CT[2] on transcript NM_001039141.3 (MANE Select); two copies in a row of the 2-base unit CT starting at c.629-17; the reference has three copies in a row; one copy, 2 bases deleted.
Molecular consequence: intron variant.
Genome position (GRCh38, 1-based): chr22:37,723,172-37,723,173, CT deleted; deleting any 2 consecutive bases within chr22:37,723,168-37,723,173 gives the same sequence; the position shown is the placement nearest the transcript's 3' end. VCF-style (leftmost placement, unchanged base first): chr22-37723167-CCT-C. GRCh37 (hg19) VCF-style: chr22-38119174-CCT-C.
Identifiers: ClinVar variation 1312592 (VCV001312592.2), dbSNP rs780640035, ClinGen allele CA10223407.